The following is an entry in ClinVar:

NC_000009.11:g.(?_135771622)_(135779224_?)del

Gene: TSC1 (TSC complex subunit 1; minus strand). Cytogenetic location: 9q34.13.
Variant type: Deletion.
Identifiers: ClinVar variation 3245185 (VCV003245185.1).

ClinVar aggregate classification (germline): Pathogenic (1 of 4 stars; one submission).

Conditions:
Tuberous sclerosis 1 (TSC1). Identifiers: Orphanet 805, MedGen C1854465, MONDO:0008612, OMIM 191100.

Submission:

Labcorp Genetics (formerly Invitae), Labcorp
Classification: Pathogenic for Tuberous sclerosis 1. Last evaluated: 2023-09-06. Review status: criteria provided, single submitter. Criteria: Invitae Variant Classification Sherloc (09022015). Collection method: clinical testing. Allele origin: unknown.
Comment: For these reasons, this variant has been classified as Pathogenic. This variant disrupts a region of the TSC1 protein in which other variant(s) (Deletion (Exons 21-23)) have been determined to be pathogenic (PMID: 28623545; Invitae). This suggests that this is a clinically significant region of the protein, and that variants that disrupt it are likely to be disease-causing. This variant has not been reported in the literature in individuals affected with TSC1-related conditions. This variant is a gross deletion of the genomic region encompassing exon(s) 17-23 of the TSC1 gene, which includes the termination codon. This deletion extends beyond the assayed region for this gene and therefore may encompass additional genes. While this deletion is not anticipated to lead to nonsense mediated decay, it is expected to alter mRNA translation or result in a truncated protein product.

Literature cited by the submitters: PubMed 28623545.